The following is an entry in ClinVar:

NM_000426.4(LAMA2):c.2239G>T (p.Gly747Cys)

Gene: LAMA2 (laminin subunit alpha 2; plus strand). Cytogenetic location: 6q22.33.
Variant type: single nucleotide variant.
Coding change: c.2239G>T on transcript NM_000426.4 (MANE Select); coding-DNA position 2239, G replaced by T.
Protein change: p.Gly747Cys; replaces glycine 747 with cysteine.
Molecular consequence: missense variant.
Genome position (GRCh38, 1-based): chr6:129,267,136, G>T. VCF-style: chr6-129267136-G-T. GRCh37 (hg19) VCF-style: chr6-129588281-G-T.
Other names: c.2239G>T, p.Gly747Cys (NM_001079823.2); short protein forms G747C.
Identifiers: ClinVar variation 2684257 (VCV002684257.2), dbSNP rs145940188, ClinGen allele CA365608785.

ClinVar aggregate classification (germline): Uncertain significance. Review status: criteria provided, multiple submitters, no conflicts (2 of 4 stars). 2 submissions from 2 submitters: Uncertain significance (2). Last evaluated 2025-01-29.

Conditions:
Inborn genetic diseases. Identifiers: MedGen C0950123, MeSH D030342.

gnomAD v4.1: 3 of 1,613,042 alleles (0.00019%); highest among the groups gnomAD compares: Middle Eastern, 0.033%; no homozygotes.

Submissions (2):

Ambry Genetics
Classification: Uncertain significance for Inborn genetic diseases. Last evaluated: 2025-01-29. Review status: criteria provided, single submitter. Criteria: Ambry Variant Classification Scheme 2023. Collection method: clinical testing. Allele origin: germline.

Athena Diagnostics
Classification: Uncertain significance. Last evaluated: 2022-10-18. Review status: criteria provided, single submitter. Criteria: Athena Diagnostics Criteria. Collection method: clinical testing. Allele origin: unknown.
Comment: Available data are insufficient to determine the clinical significance of the variant at this time. This variant has not been reported in large, multi-ethnic general populations. Computational tools disagree on the variant's effect on normal protein function.